The following is an entry in ClinVar:

ClinVar aggregate classification (germline): Uncertain significance (1 of 4 stars; one submission).

Conditions:
Joubert syndrome 23 (JBTS23). Identifiers: Orphanet 475, MedGen C4084822, MONDO:0014664, OMIM 616490.
Short-rib thoracic dysplasia 14 with polydactyly (SRTD14). Identifiers: Orphanet 397715, MedGen C4225286, MONDO:0014688, OMIM 616546.

Allele frequency attached by ClinVar (database versions not stated): ExAC 0.00001; TOPMed 0.00003; gnomAD 0.00004.
gnomAD v4.1: 7 of 1,591,604 alleles (0.00044%); highest among the groups gnomAD compares: African/African-American, 0.0081%; no homozygotes.

Submission:

Labcorp Genetics (formerly Invitae), Labcorp
Classification: Uncertain significance for Joubert syndrome 23; Short-rib thoracic dysplasia 14 with polydactyly. Last evaluated: 2023-05-08. Review status: criteria provided, single submitter. Criteria: Invitae Variant Classification Sherloc (09022015). Collection method: clinical testing. Allele origin: germline.
Comment: In summary, the available evidence is currently insufficient to determine the role of this variant in disease. Therefore, it has been classified as a Variant of Uncertain Significance. Advanced modeling of protein sequence and biophysical properties (such as structural, functional, and spatial information, amino acid conservation, physicochemical variation, residue mobility, and thermodynamic stability) performed at Invitae indicates that this missense variant is not expected to disrupt KIAA0586 protein function. ClinVar contains an entry for this variant (Variation ID: 2149437). This variant has not been reported in the literature in individuals affected with KIAA0586-related conditions. This variant is present in population databases (rs753174842, gnomAD 0.02%). This sequence change replaces asparagine, which is neutral and polar, with serine, which is neutral and polar, at codon 1387 of the KIAA0586 protein (p.Asn1387Ser).

NM_001329943.3(KIAA0586):c.4001A>G (p.Asn1334Ser)

Gene: KIAA0586 (KIAA0586; plus strand). Cytogenetic location: 14q23.1.
Variant type: single nucleotide variant.
Coding change: c.4001A>G on transcript NM_001329943.3 (MANE Select); coding-DNA position 4001, A replaced by G.
Protein change: p.Asn1334Ser; replaces asparagine 1334 with serine.
Molecular consequence: missense variant.
Genome position (GRCh38, 1-based): chr14:58,498,793, A>G. VCF-style: chr14-58498793-A-G. GRCh37 (hg19) VCF-style: chr14-58965511-A-G.
Other names: c.4160A>G, p.Asn1387Ser (NM_001244189.2); c.3956A>G, p.Asn1319Ser (NM_001244190.2); c.3746A>G, p.Asn1249Ser (NM_001244191.2, NM_001329945.2, NM_001364700.1 and 1 more transcripts); c.3869A>G, p.Asn1290Ser (NM_001244192.2, NM_001329947.2); c.3581A>G, p.Asn1194Ser (NM_001244193.2); c.4001A>G, p.Asn1334Ser (NM_001329944.2, NM_001329946.2); c.3773A>G, p.Asn1258Ser (NM_014749.5); short protein forms N1194S, N1249S, N1258S, N1290S, N1319S, N1387S, N1334S.
Identifiers: ClinVar variation 2149437 (VCV002149437.4), dbSNP rs753174842, ClinGen allele CA7206303.
Genomic context (GRCh38, chr14:58,498,793, plus strand): 5'-TGACTTGATTTTAATATAATGGTTTTAACAATTGTTTCTGCTTTTTAAAGGACTTGGAAA[A>G]CAGTGTGGGTGAACTTAGTGAAGGACAAAGACCCCAGCTAACAGCGGCAGCAGAGAACAT-3'
Protein context (NP_001316872.1, residues 1324-1344): QAVYHSEDLE[Asn1334Ser]SVGELSEGQR